The following is an entry in ClinVar:

ClinVar aggregate classification (germline): Uncertain significance (1 of 4 stars; one submission).

Conditions:
Myofibrillar myopathy 6. Identifiers: Orphanet 199340, MedGen C2751831, MONDO:0013061, OMIM 612954.
Dilated cardiomyopathy 1HH (CMD1HH). Identifiers: Orphanet 154, MedGen C3151293, MONDO:0013479, OMIM 613881.

Submission:

Labcorp Genetics (formerly Invitae), Labcorp
Classification: Uncertain significance for Dilated cardiomyopathy 1HH; Myofibrillar myopathy 6. Last evaluated: 2020-06-24. Review status: criteria provided, single submitter. Criteria: Invitae Variant Classification Sherloc (09022015). Collection method: clinical testing. Allele origin: germline.
Comment: This variant results in a copy number gain of the genomic region encompassing exon(s) 2 of the BAG3 gene. While the exact position of this variant cannot be determined from the data, sub-genic copy number gains are generally in tandem (PMID: 25640679). This variant is predicted to be in-frame, and likely preserves the integrity of the reading frame. This variant has not been reported in the literature in individuals with BAG3-related conditions. Experimental studies and prediction algorithms are not available or were not evaluated, and the functional significance of this variant is currently unknown. In summary, the available evidence is currently insufficient to determine the role of this variant in disease. Therefore, it has been classified as a Variant of Uncertain Significance.

Literature cited by the submitters: PubMed 25640679.

NC_000010.10:g.(?_121429353)_(121429699_?)dup

Gene: BAG3 (BAG cochaperone 3; plus strand). Cytogenetic location: 10q26.11.
Variant type: Duplication.
Identifiers: ClinVar variation 1054324 (VCV001054324.4).